The following is an entry in ClinVar:

NM_001384140.1(PCDH15):c.2668G>A (p.Ala890Thr)

Gene: PCDH15 (protocadherin related 15; minus strand). Cytogenetic location: 10q21.1.
Variant type: single nucleotide variant.
Coding change: c.2668G>A on transcript NM_001384140.1 (MANE Select); coding-DNA position 2668, G replaced by A.
Protein change: p.Ala890Thr; replaces alanine 890 with threonine.
Molecular consequence: missense variant.
Genome position (GRCh38, 1-based): chr10:54,020,275, C>T on the plus strand (G>A on the coding strand, the complement: PCDH15 is on the minus strand). VCF-style: chr10-54020275-C-T. GRCh37 (hg19) VCF-style: chr10-55780035-C-T.
Other names: c.2683G>A, p.Ala895Thr (NM_001142763.2, NM_001142771.2); c.2668G>A, p.Ala890Thr (NM_001142764.2, NM_001142766.2, NM_001142770.3 and 5 more transcripts); c.2455G>A, p.Ala819Thr (NM_001142765.2); c.2557G>A, p.Ala853Thr (NM_001142767.2); c.2602G>A, p.Ala868Thr (NM_001142768.2, NM_001142773.2, NM_001354404.2); c.2704G>A, p.Ala902Thr (NM_001142769.4); c.2689G>A, p.Ala897Thr (NM_001354411.2); short protein forms A819T, A853T, A897T, A890T, A902T, A868T, A895T.
Identifiers: ClinVar variation 2145623 (VCV002145623.2), dbSNP rs763795210, ClinGen allele CA5505967.

ClinVar aggregate classification (germline): Uncertain significance. Review status: criteria provided, multiple submitters, no conflicts (2 of 4 stars). 2 submissions from 2 submitters: Uncertain significance (2). Last evaluated 2021-12-23.

Allele frequency attached by ClinVar (database versions not stated): ExAC 0.00001; gnomAD exomes 0.00001; TOPMed 0.00001.
gnomAD v4.1: 9 of 1,613,712 alleles (0.00056%); highest among the groups gnomAD compares: Non-Finnish European, 0.00076%; no homozygotes.

Submissions (2):

Labcorp Genetics (formerly Invitae), Labcorp
Classification: Uncertain significance. Last evaluated: 2021-12-23. Review status: criteria provided, single submitter. Criteria: Invitae Variant Classification Sherloc (09022015). Collection method: clinical testing. Allele origin: germline.
Comment: This sequence change replaces alanine, which is neutral and non-polar, with threonine, which is neutral and polar, at codon 890 of the PCDH15 protein (p.Ala890Thr). This variant is present in population databases (rs763795210, gnomAD 0.0009%). This variant has not been reported in the literature in individuals affected with PCDH15-related conditions. Algorithms developed to predict the effect of missense changes on protein structure and function (SIFT, PolyPhen-2, Align-GVGD) all suggest that this variant is likely to be tolerated. In summary, the available evidence is currently insufficient to determine the role of this variant in disease. Therefore, it has been classified as a Variant of Uncertain Significance.

Blueprint Genetics
Classification: Uncertain significance. Last evaluated: 2019-01-28. Review status: criteria provided, single submitter. Criteria: ACMG Guidelines, 2015. Collection method: clinical testing. Allele origin: germline.